The following is an entry in ClinVar:

ClinVar aggregate classification (germline): Uncertain significance (1 of 4 stars; one submission).

Allele frequency attached by ClinVar (database versions not stated): gnomAD 0.00001.

Submission:

GeneDx
Classification: Uncertain significance. Last evaluated: 2023-01-06. Review status: criteria provided, single submitter. Criteria: GeneDx Variant Classification Process June 2021. Collection method: clinical testing. Allele origin: germline. Affected: yes.
Comment: Not observed at significant frequency in large population cohorts (gnomAD); In silico analysis supports that this missense variant has a deleterious effect on protein structure/function; Has not been previously published as pathogenic or benign to our knowledge

NM_139319.3(SLC17A8):c.398A>G (p.His133Arg)

Gene: SLC17A8 (solute carrier family 17 member 8; plus strand). Cytogenetic location: 12q23.1.
Variant type: single nucleotide variant.
Coding change: c.398A>G on transcript NM_139319.3 (MANE Select); coding-DNA position 398, A replaced by G.
Protein change: p.His133Arg; replaces histidine 133 with arginine.
Molecular consequence: missense variant.
Genome position (GRCh38, 1-based): chr12:100,391,044, A>G. VCF-style: chr12-100391044-A-G. GRCh37 (hg19) VCF-style: chr12-100784822-A-G.
Other names: c.398A>G, p.His133Arg (NM_001145288.2); short protein forms H133R.
Identifiers: ClinVar variation 2572938 (VCV002572938.1), dbSNP rs2135994938, ClinGen allele CA386215436.